The following is an entry in ClinVar:

ClinVar aggregate classification (germline): Uncertain significance (1 of 4 stars; one submission).

Allele frequency attached by ClinVar (database versions not stated): gnomAD exomes below 0.00001.
gnomAD v4.1: 1 of 1,612,646 alleles (0.000062%); highest among the groups gnomAD compares: South Asian, 0.0011%; no homozygotes.

Submission:

Labcorp Genetics (formerly Invitae), Labcorp
Classification: Uncertain significance. Last evaluated: 2022-04-21. Review status: criteria provided, single submitter. Criteria: Invitae Variant Classification Sherloc (09022015). Collection method: clinical testing. Allele origin: germline.
Comment: In summary, the available evidence is currently insufficient to determine the role of this variant in disease. Therefore, it has been classified as a Variant of Uncertain Significance. Algorithms developed to predict the effect of missense changes on protein structure and function (SIFT, PolyPhen-2, Align-GVGD) all suggest that this variant is likely to be tolerated. This variant has not been reported in the literature in individuals affected with RAI1-related conditions. This variant is not present in population databases (gnomAD no frequency). This sequence change replaces serine, which is neutral and polar, with alanine, which is neutral and non-polar, at codon 924 of the RAI1 protein (p.Ser924Ala).

NM_030665.4(RAI1):c.2770T>G (p.Ser924Ala)

Gene: RAI1 (retinoic acid induced 1; plus strand). Cytogenetic location: 17p11.2.
Variant type: single nucleotide variant.
Coding change: c.2770T>G on transcript NM_030665.4 (MANE Select); coding-DNA position 2770, T replaced by G.
Protein change: p.Ser924Ala; replaces serine 924 with alanine.
Molecular consequence: missense variant.
Genome position (GRCh38, 1-based): chr17:17,795,718, T>G. VCF-style: chr17-17795718-T-G. GRCh37 (hg19) VCF-style: chr17-17699032-T-G.
Other names: short protein forms S924A.
Identifiers: ClinVar variation 2127064 (VCV002127064.4), dbSNP rs2508583433, ClinGen allele CA398551960.